The following is an entry in ClinVar:

NM_005529.7(HSPG2):c.9889A>G (p.Ser3297Gly)

Gene: HSPG2 (heparan sulfate proteoglycan 2; minus strand). Cytogenetic location: 1p36.12.
Variant type: single nucleotide variant.
Coding change: c.9889A>G on transcript NM_005529.7 (MANE Select); coding-DNA position 9889, A replaced by G.
Protein change: p.Ser3297Gly; replaces serine 3297 with glycine.
Molecular consequence: missense variant.
Genome position (GRCh38, 1-based): chr1:21,839,371, T>C on the plus strand (A>G on the coding strand, the complement: HSPG2 is on the minus strand). VCF-style: chr1-21839371-T-C. GRCh37 (hg19) VCF-style: chr1-22165864-T-C.
Other names: c.9892A>G, p.Ser3298Gly (NM_001291860.2); c.9889A>G (NM_005529.6); short protein forms S3297G, S3298G.
Identifiers: ClinVar variation 2179368 (VCV002179368.2), dbSNP rs750410903, ClinGen allele CA670308.
Genomic context (GRCh38, chr1:21,839,371, plus strand): 5'-AGCCTAGTCGGGGGGCTCAGATCTCCATTTGGTGCAGACAAAGAAGGGATGAGGCCTTAC[T>C]CTCCACGTGCAGGATGATGGTGGCCTCAGCGTGCCCAGCAGGGCTAGTGGCATTGCAGAT-3'
Protein context (NP_005520.4, residues 3287-3307): AEATIILHVE[Ser3297Gly]PPYATTVPEH

ClinVar aggregate classification (germline): Conflicting classifications of pathogenicity. Review status: criteria provided, conflicting classifications (1 of 4 stars). 2 submissions from 2 submitters: Uncertain significance (1); Likely benign (1). Last evaluated 2026-02-23.

Conditions:
HSPG2-related disorder. Also called: HSPG2-related condition; HSPG2-related disorders.

Allele frequency attached by ClinVar (database versions not stated): gnomAD 0.00006; TOPMed 0.00008; ExAC 0.00012.
gnomAD v4.1: 96 of 1,611,816 alleles (0.006%); highest among the groups gnomAD compares: Admixed American, 0.022%; no homozygotes.

Submissions (2):

PreventionGenetics, part of Exact Sciences
Classification: Likely benign for HSPG2-related condition. Last evaluated: 2026-02-23. Review status: criteria provided, single submitter. Criteria: ACMG Guidelines, 2015. Collection method: clinical testing. Allele origin: germline.
Comment: This variant is classified as likely benign based on ACMG/AMP sequence variant interpretation guidelines (Richards et al. 2015 PMID: 25741868, with internal and published modifications).

Labcorp Genetics (formerly Invitae), Labcorp
Classification: Uncertain significance. Last evaluated: 2022-04-04. Review status: criteria provided, single submitter. Criteria: Invitae Variant Classification Sherloc (09022015). Collection method: clinical testing. Allele origin: germline.
Comment: This sequence change replaces serine, which is neutral and polar, with glycine, which is neutral and non-polar, at codon 3297 of the HSPG2 protein (p.Ser3297Gly). This variant is present in population databases (rs750410903, gnomAD 0.2%). This variant has not been reported in the literature in individuals affected with HSPG2-related conditions. Algorithms developed to predict the effect of missense changes on protein structure and function (SIFT, PolyPhen-2, Align-GVGD) all suggest that this variant is likely to be tolerated. In summary, the available evidence is currently insufficient to determine the role of this variant in disease. Therefore, it has been classified as a Variant of Uncertain Significance.